The following is an entry in ClinVar:

NM_001034853.2(RPGR):c.3143AGG[1] (p.Glu1049del)

Gene: RPGR (retinitis pigmentosa GTPase regulator; minus strand). Cytogenetic location: Xp11.4.
Variant type: Microsatellite.
Coding change: c.3143AGG[1] on transcript NM_001034853.2 (MANE Select); one copy of the 3-base unit AGG starting at c.3143; the reference has two copies in a row; one copy, 3 bases deleted.
Protein change: p.Glu1049del; deletes glutamic acid 1049.
Molecular consequence: inframe deletion. On other transcripts: intron variant (8).
Genome position (GRCh38, 1-based): chrX:38,285,851-38,285,853, CCT deleted on the plus strand (AGG on the coding strand, the reverse complement: RPGR is on the minus strand); deleting any 3 consecutive bases within chrX:38,285,851-38,285,856 gives the same sequence; the position shown is the placement nearest the transcript's 3' end. VCF-style (leftmost placement, unchanged base first): chrX-38285850-CCCT-C. GRCh37 (hg19) VCF-style: chrX-38145103-CCCT-C.
Other names: c.1569+5106_1569+5108del (NM_001367249.1, NM_001367250.1); c.1902+1241_1902+1243del (NM_001367245.1); c.1386+5106_1386+5108del (NM_001367251.1); c.1719+1241_1719+1243del (NM_001367246.1); c.1572+5106_1572+5108del (NM_001367247.1); c.1905+1241_1905+1243del (NM_000328.3); c.1602+5106_1602+5108del (NM_001367248.1); short protein forms E1049del.
Identifiers: ClinVar variation 1981435 (VCV001981435.4), dbSNP rs1285695770, ClinGen allele CA640954704.
Genomic context (GRCh38, chrX:38,285,850, plus strand): 5'-TGATACTTCCCCTCTTCTTCCTCCTCCTCTTCTCTGTTCCTCCTGTTTTCTTCTCCTTCC[CCCT>C]CCTTTTCCCTTTCTTCTCCTTCCTCCTCTCCTTCCTCTTCCTCTCCTTCCCCCTCTCCTT-3'

ClinVar aggregate classification (germline): Uncertain significance (1 of 4 stars; one submission).

Conditions:
Primary ciliary dyskinesia. Also called: Ciliary dyskinesia. Identifiers: Orphanet 244, MedGen C0008780, MONDO:0016575, HP:0012265.

Submission:

Labcorp Genetics (formerly Invitae), Labcorp
Classification: Uncertain significance for Primary ciliary dyskinesia. Last evaluated: 2022-08-08. Review status: criteria provided, single submitter. Criteria: Invitae Variant Classification Sherloc (09022015). Collection method: clinical testing. Allele origin: germline.
Comment: This variant has not been reported in the literature in individuals affected with RPGR (ORF15)-related conditions. In summary, the available evidence is currently insufficient to determine the role of this variant in disease. Therefore, it has been classified as a Variant of Uncertain Significance. Experimental studies and prediction algorithms are not available or were not evaluated, and the functional significance of this variant is currently unknown. The frequency data for this variant in the population databases is considered unreliable, as metrics indicate poor data quality at this position in the gnomAD database. This variant, c.3146_3148del, results in the deletion of 1 amino acid(s) of the RPGR (ORF15) protein (p.Glu1049del), but otherwise preserves the integrity of the reading frame.